The following is an entry in ClinVar:

ClinVar aggregate classification (germline): Likely pathogenic (1 of 4 stars; one submission).

Conditions:
Cardiac valvular defect, developmental (CVDP1). Also called: CARDIAC VALVULAR DYSPLASIA 1. Identifiers: MedGen C5774175, MONDO:0008913, OMIM 212093.

gnomAD v4.1: 1 of 1,613,928 alleles (0.000062%); highest among the groups gnomAD compares: East Asian, 0.0022%; no homozygotes.

Submission:

Juno Genomics, Hangzhou Juno Genomics, Inc
Classification: Likely pathogenic for Cardiac valvular defect, developmental. Review status: criteria provided, single submitter. Criteria: ACMG Guidelines, 2015. Collection method: clinical testing. Allele origin: germline.
Comment: Null variant in a gene where loss of function (LOF) is a known mechanism of disease.;Absent from controls (or at extremely low frequency if recessive) in Genome Aggregation Database.

NM_002662.5(PLD1):c.2495C>A (p.Ser832Ter)

Gene: PLD1 (phospholipase D1; minus strand). Cytogenetic location: 3q26.31.
Variant type: single nucleotide variant.
Coding change: c.2495C>A on transcript NM_002662.5 (MANE Select); coding-DNA position 2495, C replaced by A.
Protein change: p.Ser832Ter; replaces serine 832 with a stop codon.
Molecular consequence: nonsense.
Genome position (GRCh38, 1-based): chr3:171,644,958, G>T on the plus strand (C>A on the coding strand, the complement: PLD1 is on the minus strand). VCF-style: chr3-171644958-G-T. GRCh37 (hg19) VCF-style: chr3-171362748-G-T.
Other names: c.2381C>A, p.Ser794Ter (NM_001130081.3); short protein forms S794*, S832*.
Identifiers: ClinVar variation 5006584 (VCV005006584.2).